The following is an entry in ClinVar:

ClinVar aggregate classification (germline): Likely benign. Review status: criteria provided, multiple submitters, no conflicts (2 of 4 stars). 3 submissions from 3 submitters: Likely benign (3). Last evaluated 2026-01-29.

Conditions:
Ehlers-Danlos syndrome, musculocontractural type 2 (EDSMC2). Identifiers: Orphanet 2953, MedGen C3809845, MONDO:0014236, OMIM 615539.

Allele frequency attached by ClinVar (database versions not stated): ExAC 0.00002; gnomAD exomes 0.00002 and 0.00012; TOPMed 0.00006; gnomAD 0.00011.
gnomAD v4.1: 193 of 1,614,046 alleles (0.012%); highest among the groups gnomAD compares: Non-Finnish European, 0.016%; no homozygotes.

Submissions (3):

Labcorp Genetics (formerly Invitae), Labcorp
Classification: Likely benign for Ehlers-Danlos syndrome, musculocontractural type 2. Last evaluated: 2026-01-29. Review status: criteria provided, single submitter. Criteria: Invitae Variant Classification Sherloc (09022015). Collection method: clinical testing. Allele origin: germline.

Women's Health and Genetics/Laboratory Corporation of America, LabCorp
Classification: Likely benign. Last evaluated: 2025-04-16. Review status: criteria provided, single submitter. Criteria: LabCorp Variant Classification Summary - May 2015. Collection method: clinical testing. Allele origin: germline.

GeneDx
Classification: Likely benign. Last evaluated: 2018-03-05. Review status: criteria provided, single submitter. Criteria: GeneDx Variant Classification (06012015). Collection method: clinical testing. Allele origin: germline. Affected: yes.
Comment: This variant is considered likely benign or benign based on one or more of the following criteria: it is a conservative change, it occurs at a poorly conserved position in the protein, it is predicted to be benign by multiple in silico algorithms, and/or has population frequency not consistent with disease.

NM_013352.4(DSE):c.516A>G (p.Thr172=)

Gene: DSE (dermatan sulfate epimerase; plus strand). Cytogenetic location: 6q22.1.
Variant type: single nucleotide variant.
Coding change: c.516A>G on transcript NM_013352.4 (MANE Select); coding-DNA position 516, A replaced by G.
Protein change: p.Thr172=; no amino-acid change (threonine 172 retained).
Molecular consequence: synonymous variant. On other transcripts: 5 prime UTR variant (4), non-coding transcript variant (1).
Genome position (GRCh38, 1-based): chr6:116,426,673, A>G. VCF-style: chr6-116426673-A-G. GRCh37 (hg19) VCF-style: chr6-116747836-A-G.
Other names: c.516A>G, p.Thr172= (NM_001080976.3, NM_001322937.2, NM_001322938.2 and 3 more transcripts); c.573A>G, p.Thr191= (NM_001322939.2); c.-46A>G (NM_001322940.2, NM_001322941.2); c.-385A>G (NM_001374520.1); c.-72A>G (NM_001374521.1).
Identifiers: ClinVar variation 515828 (VCV000515828.12), dbSNP rs200780195, ClinGen allele CA3969529.